The following is an entry in ClinVar:

ClinVar aggregate classification (germline): Uncertain significance (1 of 4 stars; one submission).

Conditions:
Adult-onset proximal spinal muscular atrophy, autosomal dominant. Also called: Spinal muscular atrophy, late-onset, finkel type; FINKEL LATE-ADULT TYPE SMA. Identifiers: Orphanet 209335, MedGen C1854058, MONDO:0008453, OMIM 182980.
Amyotrophic lateral sclerosis type 8 (ALS8). Identifiers: Orphanet 803, MedGen C1837728, MONDO:0012077, OMIM 608627.

Submission:

Labcorp Genetics (formerly Invitae), Labcorp
Classification: Uncertain significance for Adult-onset proximal spinal muscular atrophy, autosomal dominant; Amyotrophic lateral sclerosis type 8. Last evaluated: 2024-10-13. Review status: criteria provided, single submitter. Criteria: Invitae Variant Classification Sherloc (09022015). Collection method: clinical testing. Allele origin: germline.
Comment: This variant, c.556_558del, results in the deletion of 1 amino acid(s) of the VAPB protein (p.Glu186del), but otherwise preserves the integrity of the reading frame. This variant is not present in population databases (gnomAD no frequency). This variant has not been reported in the literature in individuals affected with VAPB-related conditions. Experimental studies and prediction algorithms are not available or were not evaluated, and the functional significance of this variant is currently unknown. In summary, the available evidence is currently insufficient to determine the role of this variant in disease. Therefore, it has been classified as a Variant of Uncertain Significance.

NM_004738.5(VAPB):c.553GAG[1] (p.Glu186del)

Gene: VAPB (VAMP associated protein B and C; plus strand). Cytogenetic location: 20q13.32.
Variant type: Microsatellite.
Coding change: c.553GAG[1] on transcript NM_004738.5 (MANE Select); one copy of the 3-base unit GAG starting at c.553; the reference has two copies in a row; one copy, 3 bases deleted.
Protein change: p.Glu186del; deletes glutamic acid 186.
Molecular consequence: inframe deletion. On other transcripts: non-coding transcript variant (1), intron variant (1).
Genome position (GRCh38, 1-based): chr20:58,441,066-58,441,068, GAG deleted; deleting any 3 consecutive bases within chr20:58,441,062-58,441,068 gives the same sequence; the position shown is the placement nearest the transcript's 3' end. VCF-style (leftmost placement, unchanged base first): chr20-58441061-GGGA-G. GRCh37 (hg19) VCF-style: chr20-57016117-GGGA-G.
Other names: c.212-3011_212-3009del (NM_001195677.2); short protein forms E186del.
Identifiers: ClinVar variation 3759449 (VCV003759449.2).